The following is an entry in ClinVar:

NM_017654.4(SAMD9):c.3651del (p.Phe1217fs)

Gene: SAMD9 (sterile alpha motif domain containing 9; minus strand). Cytogenetic location: 7q21.2.
Variant type: Deletion.
Coding change: c.3651del on transcript NM_017654.4 (MANE Select); coding-DNA position 3651, one base deleted (T; older notation c.3651delT).
Protein change: p.Phe1217fs; shifts the reading frame from phenylalanine 1217.
Molecular consequence: frameshift variant.
Genome position (GRCh38, 1-based): chr7:93,102,447, A deleted on the plus strand (T on the coding strand, the reverse complement: SAMD9 is on the minus strand); the first of 7 consecutive A bases (chr7:93,102,447-93,102,453); deleting any one gives the same sequence. VCF-style (leftmost placement, unchanged base first): chr7-93102446-CA-C. GRCh37 (hg19) VCF-style: chr7-92731759-CA-C.
Other names: c.3651del, p.Phe1217fs (NM_001193307.2); short protein forms F1217fs.
Identifiers: ClinVar variation 3602242 (VCV003602242.1).

ClinVar aggregate classification (germline): Uncertain significance (1 of 4 stars; one submission).

Submission:

GeneDx
Classification: Uncertain significance. Last evaluated: 2024-07-31. Review status: criteria provided, single submitter. Criteria: GeneDx Variant Classification Process June 2021. Collection method: clinical testing. Allele origin: germline. Affected: yes.
Comment: Frameshift variant predicted to result in abnormal protein length as the last 373 amino acids are replaced with 31 different amino acids, in a gene for which loss of function is not an established mechanism of disease; Not observed at significant frequency in large population cohorts (gnomAD); Has not been previously published as pathogenic or benign to our knowledge; This variant is associated with the following publications: (PMID: 28545555)